The following is an entry in ClinVar:

NM_001130009.3(GEN1):c.22C>A (p.Gln8Lys)

Gene: GEN1 (GEN1 structure-specific endonuclease; plus strand). Cytogenetic location: 2p24.2.
Variant type: single nucleotide variant.
Coding change: c.22C>A on transcript NM_001130009.3 (MANE Select); coding-DNA position 22, C replaced by A.
Protein change: p.Gln8Lys; replaces glutamine 8 with lysine.
Molecular consequence: missense variant.
Genome position (GRCh38, 1-based): chr2:17,759,965, C>A. VCF-style: chr2-17759965-C-A. GRCh37 (hg19) VCF-style: chr2-17941232-C-A.
Other names: c.22C>A, p.Gln8Lys (NM_182625.5); c.22C>A (NM_001130009.1); short protein forms Q8K.
Identifiers: ClinVar variation 1374964 (VCV001374964.8), dbSNP rs755591349, ClinGen allele CA1540294.

ClinVar aggregate classification (germline): Uncertain significance. Review status: criteria provided, multiple submitters, no conflicts (2 of 4 stars). 2 submissions from 2 submitters: Uncertain significance (2). Last evaluated 2025-09-13.

Allele frequency attached by ClinVar (database versions not stated): ExAC 0.00001; gnomAD 0.00002; gnomAD exomes 0.00002; TOPMed 0.00002.
gnomAD v4.1: 9 of 1,613,644 alleles (0.00056%); highest among the groups gnomAD compares: East Asian, 0.02%; no homozygotes.

Submissions (2):

Labcorp Genetics (formerly Invitae), Labcorp
Classification: Uncertain significance. Last evaluated: 2025-09-13. Review status: criteria provided, single submitter. Criteria: Invitae Variant Classification Sherloc (09022015). Collection method: clinical testing. Allele origin: germline.
Comment: This sequence change replaces glutamine, which is neutral and polar, with lysine, which is basic and polar, at codon 8 of the GEN1 protein (p.Gln8Lys). This variant is present in population databases (rs755591349, gnomAD 0.04%). This variant has not been reported in the literature in individuals affected with GEN1-related conditions. ClinVar contains an entry for this variant (Variation ID: 1374964). An algorithm developed to predict the effect of missense changes on protein structure and function (PolyPhen-2) suggests that this variant is likely to be disruptive. In summary, the available evidence is currently insufficient to determine the role of this variant in disease. Therefore, it has been classified as a Variant of Uncertain Significance.

Ambry Genetics
Classification: Uncertain significance. Last evaluated: 2025-01-19. Review status: criteria provided, single submitter. Criteria: Ambry Variant Classification Scheme 2023. Collection method: clinical testing. Allele origin: germline.
Comment: The p.Q8K variant (also known as c.22C>A), located in coding exon 1 of the GEN1 gene, results from a C to A substitution at nucleotide position 22. The glutamine at codon 8 is replaced by lysine, an amino acid with similar properties. This amino acid position is conserved. In addition, this alteration is predicted to be tolerated by in silico analysis. Based on the available evidence, the clinical significance of this variant remains unclear.